The following is an entry in ClinVar:

NM_001397.3(ECE1):c.1709C>A (p.Ser570Ter)

Gene: ECE1 (endothelin converting enzyme 1; minus strand). Cytogenetic location: 1p36.12.
Variant type: single nucleotide variant.
Coding change: c.1709C>A on transcript NM_001397.3 (MANE Select); coding-DNA position 1709, C replaced by A.
Protein change: p.Ser570Ter; replaces serine 570 with a stop codon.
Molecular consequence: nonsense.
Genome position (GRCh38, 1-based): chr1:21,228,003, G>T on the plus strand (C>A on the coding strand, the complement: ECE1 is on the minus strand). VCF-style: chr1-21228003-G-T. GRCh37 (hg19) VCF-style: chr1-21554496-G-T.
Other names: c.1673C>A, p.Ser558Ter (NM_001113347.2); c.1661C>A, p.Ser554Ter (NM_001113348.2); c.1700C>A, p.Ser567Ter (NM_001113349.2); short protein forms S558*, S567*, S554*, S570*.
Identifiers: ClinVar variation 5005678 (VCV005005678.2).

ClinVar aggregate classification (germline): Uncertain significance (1 of 4 stars; one submission).

Conditions:
Essential hypertension, genetic (EHT). Identifiers: MedGen CN305331, MONDO:0007781, OMIM 145500.
Hirschsprung disease, cardiac defects, and autonomic dysfunction (HCAD). Identifiers: MedGen C3151237, MONDO:0013473, OMIM 613870.

Submission:

Juno Genomics, Hangzhou Juno Genomics, Inc
Classification: Uncertain significance for Hirschsprung disease, cardiac defects, and autonomic dysfunction; Essential hypertension, genetic. Review status: criteria provided, single submitter. Criteria: ACMG Guidelines, 2015. Collection method: clinical testing. Allele origin: germline.
Comment: Absent from controls (or at extremely low frequency if recessive) in Genome Aggregation Database.